The following is an entry in ClinVar:

NM_000719.7(CACNA1C):c.2961-19G>C

Gene: CACNA1C (calcium voltage-gated channel subunit alpha1 C; plus strand). Cytogenetic location: 12p13.33.
Variant type: single nucleotide variant.
Coding change: c.2961-19G>C on transcript NM_000719.7 (MANE Select); 19 bases into the intron before coding-DNA position 2961, G replaced by C.
Molecular consequence: intron variant.
Genome position (GRCh38, 1-based): chr12:2,605,062, G>C. VCF-style: chr12-2605062-G-C. GRCh37 (hg19) VCF-style: chr12-2714228-G-C.
Other names: c.2961-19G>C (NM_001167624.3, NM_001167623.2, NM_001167625.2 and 15 more transcripts); c.3021-19G>C (NM_199460.4, NM_001129827.2, NM_001129832.2); c.2952-19G>C (NM_001129844.2).
Identifiers: ClinVar variation 2743063 (VCV002743063.3), dbSNP rs755287470, ClinGen allele CA2697559067.

ClinVar aggregate classification (germline): Uncertain significance (1 of 4 stars; one submission).

Conditions:
Long QT syndrome (LQTS). Identifiers: MedGen C0023976, MeSH D008133, MONDO:0002442. Disease mechanism: loss of function. Inheritance: Various modes of inheritance.

Submission:

Labcorp Genetics (formerly Invitae), Labcorp
Classification: Uncertain significance for Long QT syndrome. Last evaluated: 2023-07-13. Review status: criteria provided, single submitter. Criteria: Invitae Variant Classification Sherloc (09022015). Collection method: clinical testing. Allele origin: germline.
Comment: In summary, the available evidence is currently insufficient to determine the role of this variant in disease. Therefore, it has been classified as a Variant of Uncertain Significance. Algorithms developed to predict the effect of sequence changes on RNA splicing suggest that this variant may disrupt the consensus splice site. This variant has not been reported in the literature in individuals affected with CACNA1C-related conditions. This variant is not present in population databases (gnomAD no frequency). This sequence change falls in intron 22 of the CACNA1C gene. It does not directly change the encoded amino acid sequence of the CACNA1C protein.